The following is an entry in ClinVar:

ClinVar aggregate classification (germline): Uncertain significance (1 of 4 stars; one submission).

Conditions:
Hereditary cancer-predisposing syndrome. Also called: Neoplastic Syndromes, Hereditary; Tumor predisposition; Hereditary neoplastic syndrome; Hereditary Cancer Syndrome. Identifiers: Orphanet 140162, MedGen C0027672, MeSH D009386, MONDO:0015356.

Submission:

Ambry Genetics
Classification: Uncertain significance for Hereditary cancer-predisposing syndrome. Last evaluated: 2026-07-11. Review status: criteria provided, single submitter. Criteria: Ambry Variant Classification Scheme 2023. Collection method: clinical testing. Allele origin: germline.
Comment: The p.M318I variant (also known as c.954G>C), located in coding exon 8 of the TSC1 gene, results from a G to C substitution at nucleotide position 954. The methionine at codon 318 is replaced by isoleucine, an amino acid with highly similar properties. This amino acid position is conserved. In addition, the in silico prediction for this alteration is inconclusive. Based on the available evidence, the clinical significance of this variant remains unclear.

NM_000368.5(TSC1):c.954G>C (p.Met318Ile)

Gene: TSC1 (TSC complex subunit 1; minus strand). Cytogenetic location: 9q34.13.
Variant type: single nucleotide variant.
Coding change: c.954G>C on transcript NM_000368.5 (MANE Select); coding-DNA position 954, G replaced by C.
Protein change: p.Met318Ile; replaces methionine 318 with isoleucine.
Molecular consequence: missense variant. On other transcripts: initiator codon variant (3), 5 prime UTR variant (2), non-coding transcript variant (5).
Genome position (GRCh38, 1-based): chr9:132,911,528, C>G on the plus strand (G>C on the coding strand, the complement: TSC1 is on the minus strand). VCF-style: chr9-132911528-C-G. GRCh37 (hg19) VCF-style: chr9-135786915-C-G.
Other names: c.954G>C, p.Met318Ile (NM_001162426.2, NM_001406592.1, NM_001406593.1 and 16 more transcripts); c.801G>C, p.Met267Ile (NM_001162427.2, NM_001406610.1, NM_001406611.1 and 2 more transcripts); c.591G>C, p.Met197Ile (NM_001362177.2, NM_001406614.1, NM_001406624.1 and 10 more transcripts); c.3G>C, p.Met1Ile (NM_001406626.1, NM_001406627.1, NM_001406628.1); c.-140G>C (NM_001406629.1, NM_001406630.1); short protein forms M197I, M318I, M1I, M267I.
Identifiers: ClinVar variation 5031232 (VCV005031232.1).